The following is an entry in ClinVar:

ClinVar aggregate classification (germline): Likely benign. Review status: criteria provided, multiple submitters, no conflicts (2 of 4 stars). 5 submissions from 5 submitters: Likely benign (5). Last evaluated 2026-01-05.

Conditions:
Familial thoracic aortic aneurysm and aortic dissection (TAAD). Also called: Thoracic aortic aneurysms and dissections. Identifiers: Orphanet 91387, MedGen C4707243, MONDO:0019625.
Ehlers-Danlos syndrome, type 4 (EDSVASC). Also called: Ehlers-Danlos syndrome vascular type; Ehlers Danlos syndrome, ecchymotic type; Ehlers Danlos syndrome, arterial type; Ehlers Danlos syndrome, Sack-Barabas type; Ehlers-Danlos Syndrome Type IV. Identifiers: Orphanet 286, MedGen C0268338, MONDO:0017314, OMIM 130050.

Allele frequency attached by ClinVar (database versions not stated): gnomAD 0.00001; gnomAD exomes 0.00003 and 0.00008; TOPMed 0.00006; ExAC 0.00007.
gnomAD v4.1: 51 of 1,613,832 alleles (0.0032%); highest among the groups gnomAD compares: Middle Eastern, 0.051%; no homozygotes.

Submissions (5):

Labcorp Genetics (formerly Invitae), Labcorp
Classification: Likely benign for Ehlers-Danlos syndrome, type 4. Last evaluated: 2026-01-05. Review status: criteria provided, single submitter. Criteria: Invitae Variant Classification Sherloc (09022015). Collection method: clinical testing. Allele origin: germline.

All of Us Research Program, National Institutes of Health
Classification: Likely benign for Ehlers-Danlos syndrome, type 4. Last evaluated: 2023-12-18. Review status: criteria provided, single submitter. Criteria: ACMG Guidelines, 2015. Collection method: clinical testing. Allele origin: germline. Inheritance: Autosomal dominant inheritance. Observed: 11 variant alleles, 11 heterozygotes.
Comment: This study involves interpretation of variants in research participants for the purpose of population health screening. Participant phenotype was not available at the time of variant classification. Additional details can be found in publication PMID: 35346344, PMCID: PMC8962531

Blueprint Genetics
Classification: Likely benign. Last evaluated: 2023-06-15. Review status: criteria provided, single submitter. Criteria: ACMG Guidelines, 2015. Collection method: clinical testing. Allele origin: germline.

GeneDx
Classification: Likely benign. Last evaluated: 2021-01-13. Review status: criteria provided, single submitter. Criteria: GeneDx Variant Classification Process June 2021. Collection method: clinical testing. Allele origin: germline. Affected: yes.

Color Diagnostics, LLC DBA Color Health
Classification: Likely benign for Familial thoracic aortic aneurysm and aortic dissection. Last evaluated: 2019-01-27. Review status: criteria provided, single submitter. Criteria: ACMG Guidelines, 2015. Collection method: clinical testing. Allele origin: germline.

NM_000090.4(COL3A1):c.3364-8C>T

Gene: COL3A1 (collagen type III alpha 1 chain; plus strand). Cytogenetic location: 2q32.2.
Variant type: single nucleotide variant.
Coding change: c.3364-8C>T on transcript NM_000090.4 (MANE Select); 8 bases into the intron before coding-DNA position 3364, C replaced by T.
Molecular consequence: intron variant.
Genome position (GRCh38, 1-based): chr2:189,007,877, C>T. VCF-style: chr2-189007877-C-T. GRCh37 (hg19) VCF-style: chr2-189872603-C-T.
Identifiers: ClinVar variation 529334 (VCV000529334.18), dbSNP rs779073034, ClinGen allele CA076067.